The following is an entry in ClinVar:

NM_006493.4(CLN5):c.-4C>T

Gene: CLN5 (CLN5 lysosomal BMP synthase; plus strand). Cytogenetic location: 13q22.3.
Variant type: single nucleotide variant.
Coding change: c.-4C>T on transcript NM_006493.4 (MANE Select); 4 bases upstream of the start codon, C replaced by T.
Molecular consequence: 5 prime UTR variant.
Genome position (GRCh38, 1-based): chr13:76,992,095, C>T. VCF-style: chr13-76992095-C-T. GRCh37 (hg19) VCF-style: chr13-77566230-C-T.
Other names: p.S48S:AGC>AGT; c.-4C>T (NM_001366624.2); c.144C>T (LRG_692t1).
Identifiers: ClinVar variation 136793 (VCV000136793.26), dbSNP rs587780896, ClinGen allele CA290137.

ClinVar aggregate classification (germline): Conflicting classifications of pathogenicity. Review status: criteria provided, conflicting classifications (1 of 4 stars). 7 submissions from 7 submitters: Uncertain significance (1); Benign (2); Likely benign (3). 1 of the submissions does not count toward it. Last evaluated 2026-01-19.

Conditions:
Inborn genetic diseases. Identifiers: MedGen C0950123, MeSH D030342.
Neuronal ceroid lipofuscinosis. Also called: Neuronal Ceroid Lipofuscinoses. Identifiers: Orphanet 216, Orphanet 79263, MedGen C0027877, MONDO:0016295. Disease mechanism: loss of function.
Neuronal ceroid lipofuscinosis 5 (CLN5). Also called: CEROID LIPOFUSCINOSIS, NEURONAL, 5, VARIABLE AGE AT ONSET; CLN5-Related Neuronal Ceroid-Lipofuscinosis; Neuronal ceroid lipofuscinosis Finnish variant; NEURONAL CEROID LIPOFUSCINOSIS, LATE INFANTILE, FINNISH VARIANT. Identifiers: Orphanet 168491, Orphanet 228360, MedGen C1850442, MONDO:0009745, OMIM 256731.

Allele frequency attached by ClinVar (database versions not stated): gnomAD 0.00009 and 0.00011; TOPMed 0.00011; ExAC 0.00023.

Submissions (7):

Labcorp Genetics (formerly Invitae), Labcorp
Classification: Benign for Neuronal ceroid lipofuscinosis. Last evaluated: 2026-01-19. Review status: criteria provided, single submitter. Criteria: Invitae Variant Classification Sherloc (09022015). Collection method: clinical testing. Allele origin: germline.

Genome-Nilou Lab
Classification: Likely benign for Neuronal ceroid lipofuscinosis 5. Last evaluated: 2021-05-18. Review status: criteria provided, single submitter. Criteria: ACMG Guidelines, 2015. Collection method: clinical testing. Allele origin: germline. Affected: no.

Athena Diagnostics
Classification: Likely benign. Last evaluated: 2018-03-05. Review status: criteria provided, single submitter. Criteria: Athena Diagnostics Criteria. Collection method: clinical testing. Allele origin: germline.

Illumina Laboratory Services, Illumina
Classification: Uncertain significance for Neuronal ceroid lipofuscinosis 5. Last evaluated: 2018-01-13. Review status: criteria provided, single submitter. Criteria: ICSL Variant Classification Criteria 13 December 2019. Collection method: clinical testing. Allele origin: germline.

Ambry Genetics
Classification: Likely benign for Inborn genetic diseases. Last evaluated: 2016-09-01. Review status: criteria provided, single submitter. Criteria: Ambry Variant Classification Scheme 2023. Collection method: clinical testing. Allele origin: germline.

GeneDx
Classification: Benign. Last evaluated: 2013-05-29. Review status: criteria provided, single submitter. Criteria: GeneDx Variant Classification (06012015). Collection method: clinical testing. Allele origin: germline. Affected: yes.
Comment: This variant is considered likely benign or benign based on one or more of the following criteria: it is a conservative change, it occurs at a poorly conserved position in the protein, it is predicted to be benign by multiple in silico algorithms, and/or has population frequency not consistent with disease.

Natera, Inc.
Classification: Benign for Neuronal ceroid lipofuscinosis 5. Last evaluated: 2020-04-16. Review status: no assertion criteria provided. Collection method: clinical testing. Allele origin: germline. Not counted in ClinVar's aggregate classification.